The following is an entry in ClinVar:

ClinVar aggregate classification (germline): Pathogenic (1 of 4 stars; one submission).

Conditions:
Hereditary cancer-predisposing syndrome. Also called: Tumor predisposition; Hereditary Cancer Syndrome; Hereditary neoplastic syndrome; Neoplastic Syndromes, Hereditary. Identifiers: Orphanet 140162, MedGen C0027672, MeSH D009386, MONDO:0015356.

Submission:

Ambry Genetics
Classification: Pathogenic for Hereditary cancer-predisposing syndrome. Last evaluated: 2024-04-03. Review status: criteria provided, single submitter. Criteria: Ambry Variant Classification Scheme 2023. Collection method: clinical testing. Allele origin: germline.
Comment: The c.5727_5728insT pathogenic mutation, located in coding exon 15 of the APC gene, results from an insertion of one nucleotide at position 5727, causing a translational frameshift with a predicted alternate stop codon (p.T1910Yfs*15). This alteration occurs at the 3' terminus of theAPC gene, is not expected to trigger nonsense-mediated mRNA decay, and only impacts the last 32.9% of the protein. However, premature stop codons are typically deleterious in nature and the impacted region is critical for protein function (Ambry internal data). This variant has been observed in at least one individual with a personal and/or family history that is consistent with APC-associated polyposis conditions (Ambry internal data). This variant is considered to be rare based on population cohorts in the Genome Aggregation Database (gnomAD). Based on the supporting evidence, this variant is interpreted as a disease-causing mutation.

NM_000038.6(APC):c.5727_5728insT (p.Thr1910fs)

Gene: APC (APC regulator of Wnt signaling pathway; plus strand). Cytogenetic location: 5q22.2.
Variant type: Insertion.
Coding change: c.5727_5728insT on transcript NM_000038.6 (MANE Select); coding-DNA positions 5727 to 5728, T inserted.
Protein change: p.Thr1910fs; shifts the reading frame from threonine 1910.
Molecular consequence: frameshift variant. On other transcripts: non-coding transcript variant (2).
Genome position: GRCh38 VCF-style: chr5-112841321-G-GT. GRCh37 (hg19) VCF-style: chr5-112177018-G-GT.
Other names: c.5727_5728insT, p.Thr1910fs (NM_001127510.3, NM_001354895.2, NM_001407450.1); c.5673_5674insT, p.Thr1892fs (NM_001127511.3); c.5781_5782insT, p.Thr1928fs (NM_001354896.2, NM_001407447.1, NM_001407448.1 and 1 more transcripts); c.5757_5758insT, p.Thr1920fs (NM_001354897.2); c.5652_5653insT, p.Thr1885fs (NM_001354898.2); c.5643_5644insT, p.Thr1882fs (NM_001354899.2); c.5604_5605insT, p.Thr1869fs (NM_001354900.2); c.5550_5551insT, p.Thr1851fs (NM_001354901.2, NM_001407453.1); and 11 more; short protein forms T1750fs, T1809fs, T1869fs, T1910fs, T1781fs, T1784fs, T1819fs, T1851fs.
Identifiers: ClinVar variation 3304186 (VCV003304186.1).